The following is an entry in ClinVar:

NM_001130987.2(DYSF):c.2426C>T (p.Pro809Leu)

Gene: DYSF (dysferlin; plus strand). Cytogenetic location: 2p13.2.
Variant type: single nucleotide variant.
Coding change: c.2426C>T on transcript NM_001130987.2 (MANE Select); coding-DNA position 2426, C replaced by T.
Protein change: p.Pro809Leu; replaces proline 809 with leucine.
Molecular consequence: missense variant.
Genome position (GRCh38, 1-based): chr2:71,564,074, C>T. VCF-style: chr2-71564074-C-T. GRCh37 (hg19) VCF-style: chr2-71791204-C-T.
Other names: NM_001130987.2(DYSF):c.2426C>T; p.Pro809Leu; c.2375C>T, p.Pro792Leu (NM_001130455.2, NM_001130983.2); c.2330C>T, p.Pro777Leu (NM_001130976.2, NM_001130977.2); c.2372C>T, p.Pro791Leu (NM_001130978.2, NM_003494.4); c.2465C>T, p.Pro822Leu (NM_001130979.2); c.2423C>T, p.Pro808Leu (NM_001130980.2, NM_001130981.2); c.2468C>T, p.Pro823Leu (NM_001130982.2); and 2 more; short protein forms P791L, P809L, P808L, P823L, P792L, P777L, P778L, P822L.
Identifiers: ClinVar variation 566085 (VCV000566085.11), dbSNP rs121908956, ClinGen allele CA49742304.
Genomic context (GRCh38, chr2:71,564,074, plus strand): 5'-CTGGTGTGTCACCATCCCCACCCCGACCACCACCCTCTGTTCAGCCCCAGAACAGCCTGC[C>T]GGACATCGTCATCTGGATGCTGCAGGGAGACAAGCGTGTGGCATACCAGCGGGTGCCCGC-3'
Protein context (NP_001124459.1, residues 799-819): ALAEEPQNSL[Pro809Leu]DIVIWMLQGD

ClinVar aggregate classification (germline): Uncertain significance. Review status: reviewed by expert panel (3 of 4 stars). 4 submissions from 4 submitters: Uncertain significance (1). 3 of the submissions do not count toward it. Last evaluated 2026-04-30.

Conditions:
Limb-girdle muscular dystrophy (LGMD). Also called: Muscular Dystrophies, Limb-Girdle. Identifiers: Orphanet 263, MedGen C0686353, MeSH D049288, MONDO:0016971, HP:0006785.
Autosomal recessive limb-girdle muscular dystrophy. Identifiers: Orphanet 102015, MedGen C2931907, MONDO:0015152.
Neuromuscular disease caused by qualitative or quantitative defects of dysferlin. Also called: Qualitative or quantitative defects of dysferlin; Dysferlinopathy. Identifiers: Orphanet 207073, MedGen C2931687, MONDO:0016145.

Allele frequency attached by ClinVar (database versions not stated): gnomAD 0.00001; gnomAD exomes 0.00001; TOPMed 0.00002.
gnomAD v4.1: 10 of 1,614,090 alleles (0.00062%); highest among the groups gnomAD compares: Non-Finnish European, 0.00085%; no homozygotes.

Submissions (4):

ClinGen Limb Girdle Muscular Dystrophy Variant Curation Expert Panel, ClinGen
Classification: Uncertain significance for Limb-girdle muscular dystrophy. Last evaluated: 2026-04-30. Review status: reviewed by expert panel. Criteria: ClinGen LGMD VCEP ACMG Specifications DYSF V2.0.0. Collection method: curation. Allele origin: germline. Inheritance: Autosomal recessive inheritance.
Comment: The NM_003494.4: c.2372C>T variant in DYSF, which is also known as NM_001130987.2: c.2426C>T p.(Pro809Leu) is a missense variant expected to cause the substitution of proline for leucine at amino acid 791, p.(Pro791Leu). To our knowledge, this variant has not been reported in association with limb girdle muscular dystrophy. The upper bound of the 95% confidence interval of the Grpmax variant allele frequency in gnomAD v4.1.0 is 0.000014 (10/1180030 European (non-Finnish) chromosomes), which is less than the LGMD VCEP threshold (0.0001), meeting this criterion (PM2_Supporting). The computational predictor REVEL gives a score of 0.86, which exceeds the threshold of ≥0.70, evidence that correlates with impact to DYSF function. In addition, another missense variant at this position, NM_003494.4: c.2372C>G p.(Pro791Arg), has been classified as likely pathogenic for limb girdle muscular dystrophy by the LGMD VCEP (PM5_Supporting). In summary, at this time there is insufficient evidence to classify this variant as pathogenic or benign, and it remains a variant of uncertain significance for autosomal recessive limb girdle muscular dystrophy based on the ACMG/AMP criteria applied, as specified by the ClinGen LGMD VCEP (LGMD VCEP specifications version 2.0.0; 04/30/2026): PM2_Supporting, PP3, PM5_Supporting.

Myriad Genetics, Inc.
Classification: Uncertain significance for Autosomal recessive limb-girdle muscular dystrophy. Last evaluated: 2026-01-23. Review status: criteria provided, single submitter. Criteria: Myriad Autosomal Dominant, Autosomal Recessive and X-Linked Classification Criteria (2023). Collection method: clinical testing. Allele origin: unknown. Not counted in ClinVar's aggregate classification.
Comment: NM_003494.3(DYSF):c.2372C>T(P791L) is a missense variant classified as a variant of uncertain significance in the context of dysferlinopathy. P791L has not been observed in cases with relevant disease. Relevant functional assessments of this variant are not available in the literature. P791L has not been observed in referenced population frequency databases. In summary, there is insufficient evidence to classify NM_003494.3(DYSF):c.2372C>T(P791L) as pathogenic or benign. Please note: this variant was assessed in the context of healthy population screening.

Labcorp Genetics (formerly Invitae), Labcorp
Classification: Likely pathogenic for Neuromuscular disease caused by qualitative or quantitative defects of dysferlin. Last evaluated: 2025-07-28. Review status: criteria provided, single submitter. Criteria: Invitae Variant Classification Sherloc (09022015). Collection method: clinical testing. Allele origin: germline. Not counted in ClinVar's aggregate classification.
Comment: This sequence change replaces proline, which is neutral and non-polar, with leucine, which is neutral and non-polar, at codon 791 of the DYSF protein (p.Pro791Leu). This variant is not present in population databases (gnomAD no frequency). This variant has not been reported in the literature in individuals affected with DYSF-related conditions. ClinVar contains an entry for this variant (Variation ID: 566085). Invitae Evidence Modeling of protein sequence and biophysical properties (such as structural, functional, and spatial information, amino acid conservation, physicochemical variation, residue mobility, and thermodynamic stability) indicates that this missense variant is expected to disrupt DYSF protein function with a positive predictive value of 95%. This variant disrupts the p.Pro791 amino acid residue in DYSF. Other variant(s) that disrupt this residue have been determined to be pathogenic (PMID: 10196377, 16996541, 29382405). This suggests that this residue is clinically significant, and that variants that disrupt this residue are likely to be disease-causing. In summary, the currently available evidence indicates that the variant is pathogenic, but additional data are needed to prove that conclusively. Therefore, this variant has been classified as Likely Pathogenic.

Revvity Omics, Revvity
Classification: Uncertain significance. Last evaluated: 2019-07-30. Review status: criteria provided, single submitter. Criteria: ACMG Guidelines, 2015. Collection method: clinical testing. Allele origin: germline. Not counted in ClinVar's aggregate classification.

Literature cited by the submitters: PubMed 10196377 (cited by Labcorp Genetics (formerly Invitae), Labcorp); PubMed 16996541 (cited by Labcorp Genetics (formerly Invitae), Labcorp); PubMed 29382405 (cited by Labcorp Genetics (formerly Invitae), Labcorp).